The following is an entry in ClinVar:

ClinVar aggregate classification (germline): Likely benign (0 of 4 stars; one submission).

Conditions:
HOXA2-related disorder. Also called: HOXA2-related condition.

Allele frequency attached by ClinVar (database versions not stated): gnomAD 0.00002; ExAC 0.00003.
gnomAD v4.1: 3 of 1,607,380 alleles (0.00019%); highest among the groups gnomAD compares: Non-Finnish European, 0.00025%; no homozygotes.

Submission:

PreventionGenetics, part of Exact Sciences
Classification: Likely benign for HOXA2-related condition. Last evaluated: 2022-10-11. Review status: no assertion criteria provided. Collection method: clinical testing. Allele origin: germline.
Comment: This variant is classified as likely benign based on ACMG/AMP sequence variant interpretation guidelines (Richards et al. 2015 PMID: 25741868, with internal and published modifications).

NM_006735.4(HOXA2):c.391+10A>C

Gene: HOXA2 (homeobox A2; minus strand). Cytogenetic location: 7p15.2.
Variant type: single nucleotide variant.
Coding change: c.391+10A>C on transcript NM_006735.4 (MANE Select); 10 bases into the intron after coding-DNA position 391, A replaced by C.
Molecular consequence: intron variant.
Genome position (GRCh38, 1-based): chr7:27,102,100, T>G on the plus strand (A>C on the coding strand, the complement: HOXA2 is on the minus strand). VCF-style: chr7-27102100-T-G. GRCh37 (hg19) VCF-style: chr7-27141719-T-G.
Identifiers: ClinVar variation 3029050 (VCV003029050.2), dbSNP rs770915666, ClinGen allele CA4196258.